The following is an entry in ClinVar:

NM_000257.4(MYH7):c.797-9T>A

Gene: MYH7 (myosin heavy chain 7; minus strand). Cytogenetic location: 14q11.2.
Variant type: single nucleotide variant.
Coding change: c.797-9T>A on transcript NM_000257.4 (MANE Select); 9 bases into the intron before coding-DNA position 797, T replaced by A.
Molecular consequence: intron variant.
Genome position (GRCh38, 1-based): chr14:23,431,008, A>T on the plus strand (T>A on the coding strand, the complement: MYH7 is on the minus strand). VCF-style: chr14-23431008-A-T. GRCh37 (hg19) VCF-style: chr14-23900217-A-T.
Other names: c.797-9T>A (NM_001407004.1).
Identifiers: ClinVar variation 4688687 (VCV004688687.2).

ClinVar aggregate classification (germline): Uncertain significance. Review status: criteria provided, multiple submitters, no conflicts (2 of 4 stars). 2 submissions from 2 submitters: Uncertain significance (2). Last evaluated 2025-12-01.

Conditions:
Hypertrophic cardiomyopathy. Also called: HYPERTROPHIC MYOCARDIOPATHY. Identifiers: Orphanet 217569, MedGen C0007194, MeSH D002312, MONDO:0005045, HP:0001639.

Submissions (2):

Women's Health and Genetics/Laboratory Corporation of America, LabCorp
Classification: Uncertain significance. Last evaluated: 2025-12-01. Review status: criteria provided, single submitter. Criteria: LabCorp Variant Classification Summary - May 2015. Collection method: clinical testing. Allele origin: germline.
Comment: Variant summary: MYH7 c.797-9T>A alters a non-conserved nucleotide located at a position not widely known to affect splicing. Several computational tools predict a significant impact on normal splicing: Two predict the variant abolishes a canonical 3' acceptor site, one predicts the variant weakens a canonical 3' acceptor site, one predicts no significant impact on the canonical 3' acceptor site, and four predict the variant creates a cryptic 3' acceptor site. However, these predictions have yet to be confirmed by functional studies. The variant was absent in 250878 control chromosomes. The available data on variant occurrences in the general population are insufficient to allow any conclusion about variant significance. To our knowledge, no occurrence of c.797-9T>A in individuals affected with MYH7-related conditions and no experimental evidence demonstrating its impact on protein function have been reported. No submitters have cited clinical-significance assessments for this variant to ClinVar. Based on the evidence outlined above, the variant was classified as uncertain significance.

Labcorp Genetics (formerly Invitae), Labcorp
Classification: Uncertain significance for Hypertrophic cardiomyopathy. Last evaluated: 2025-11-08. Review status: criteria provided, single submitter. Criteria: Invitae Variant Classification Sherloc (09022015). Collection method: clinical testing. Allele origin: germline.
Comment: This sequence change falls in intron 9 of the MYH7 gene. It does not directly change the encoded amino acid sequence of the MYH7 protein. This variant is not present in population databases (gnomAD no frequency). This variant has not been reported in the literature in individuals affected with MYH7-related conditions. Algorithms developed to predict the effect of sequence changes on RNA splicing suggest that this variant may disrupt the consensus splice site. In summary, the available evidence is currently insufficient to determine the role of this variant in disease. Therefore, it has been classified as a Variant of Uncertain Significance.